The following is an entry in ClinVar:

ClinVar aggregate classification (germline): Pathogenic. Review status: criteria provided, multiple submitters, no conflicts (2 of 4 stars). 3 submissions from 3 submitters: Pathogenic (3). Last evaluated 2024-05-18.

Conditions:
Mitochondrial DNA depletion syndrome 13. Also called: FBXL4-Related Encephalomyopathic Mitochondrial DNA Depletion Syndrome; Mitochondrial DNA depletion syndrome 13 (encephalomyopathic type). Identifiers: Orphanet 369897, MedGen C3809592, MONDO:0014198, OMIM 615471.

Submissions (3):

Fulgent Genetics
Classification: Pathogenic for Mitochondrial DNA depletion syndrome 13. Last evaluated: 2024-05-18. Review status: criteria provided, single submitter. Criteria: ACMG Guidelines, 2015. Collection method: clinical testing. Allele origin: germline.

Institute of Human Genetics Munich, TUM University Hospital
Classification: Pathogenic for Mitochondrial DNA depletion syndrome 13. Last evaluated: 2017-11-16. Review status: criteria provided, single submitter. Criteria: Classification criteria August 2017. Collection method: clinical testing. Allele origin: germline. Inheritance: Autosomal recessive inheritance. Affected: yes. Observed: 1 compound heterozygote.

Wong Mito Lab, Molecular and Human Genetics, Baylor College of Medicine
Classification: Pathogenic for Mitochondrial DNA depletion syndrome 13. Last evaluated: 2017-08-10. Review status: criteria provided, single submitter. Criteria: ACMG Guidelines, 2015. Collection method: clinical testing. Allele origin: germline. Affected: yes.
Comment: The NM_012160.4:c.316C>T (NP_036292.2:p.Gln106Ter) [GRCH38: NC_000006.12:g.98926673G>A] variant in FBXL4 gene is interpretated to be a Pathogenic based on ACMG guidelines (PMID: 25741868). This variant has been reported in PMID:25868664 . This variant meets one or more of the following evidence codes reported in the ACMG-guideline. PVS1:This variant is a predcted null variant in FBXL4 where loss of function is a known mechanism of disease. PM2:This variant is absent in key population databases. PM3:Detected in trans with a pathogenic variant for Mitochondrial DNA depletion syndrome 13 which is a recessive disorder. PP4:Patientâ€™s phenotype or family history is highly specific for FBXL4. PP5:Reputable source(s) suggest that the variant is pathogenic. Based on this evidence code ClinGen Pathogenicity Calculator (PMID:28081714) suggested that the variant is Pathogenic.

Literature cited by the submitters: PubMed 25868664 (cited by Wong Mito Lab, Molecular and Human Genetics, Baylor College of Medicine).

NM_001278716.2(FBXL4):c.316C>T (p.Gln106Ter)

Gene: FBXL4 (F-box and leucine rich repeat protein 4; minus strand). Cytogenetic location: 6q16.2.
Variant type: single nucleotide variant.
Coding change: c.316C>T on transcript NM_001278716.2 (MANE Select); coding-DNA position 316, C replaced by T.
Protein change: p.Gln106Ter; replaces glutamine 106 with a stop codon.
Molecular consequence: nonsense. On other transcripts: non-coding transcript variant (2).
Genome position (GRCh38, 1-based): chr6:98,926,673, G>A on the plus strand (C>T on the coding strand, the complement: FBXL4 is on the minus strand). VCF-style: chr6-98926673-G-A. GRCh37 (hg19) VCF-style: chr6-99374549-G-A.
Other names: c.316C>T, p.Gln106Ter (NM_012160.5); short protein forms Q106*.
Identifiers: ClinVar variation 437491 (VCV000437491.5), dbSNP rs1554222122, ClinGen allele CA16021027.